The following is an entry in ClinVar:

ClinVar aggregate classification (germline): Pathogenic (1 of 4 stars; one submission).

Conditions:
Dextro-looped transposition of the great arteries. Also called: Dextrotransposition of the great arteries. Identifiers: Orphanet 860, MedGen C3531771, MONDO:0019443, OMIM 608808, HP:0031348.

Submission:

Labcorp Genetics (formerly Invitae), Labcorp
Classification: Pathogenic for Dextro-looped transposition of the great arteries. Last evaluated: 2017-08-12. Review status: criteria provided, single submitter. Criteria: Invitae Variant Classification Sherloc (09022015). Collection method: clinical testing. Allele origin: germline.
Comment: This sequence change creates a premature translational stop signal (p.Trp1359*) in the MED13L gene. It is expected to result in an absent or disrupted protein product. For these reasons, this variant has been classified as Pathogenic. Loss-of-function variants in MED13L are known to be pathogenic (PMID: 23403903). This variant has not been reported in the literature in individuals with MED13L-related disease, however, a different variant (c.4076G>A) giving rise to the same protein effect observed here (p.Trp1359*) has been reported in an individual affected with autism spectrum disorder (PMID: 27824329). This variant is not present in population databases (ExAC no frequency).

Literature cited by the submitters: PubMed 23403903; PubMed 27824329.

NM_015335.5(MED13L):c.4077G>A (p.Trp1359Ter)

Gene: MED13L (mediator complex subunit 13L; minus strand). Cytogenetic location: 12q24.21.
Variant type: single nucleotide variant.
Coding change: c.4077G>A on transcript NM_015335.5 (MANE Select); coding-DNA position 4077, G replaced by A.
Protein change: p.Trp1359Ter; replaces tryptophan 1359 with a stop codon.
Molecular consequence: nonsense.
Genome position (GRCh38, 1-based): chr12:115,987,146, C>T on the plus strand (G>A on the coding strand, the complement: MED13L is on the minus strand). VCF-style: chr12-115987146-C-T. GRCh37 (hg19) VCF-style: chr12-116424951-C-T.
Other names: short protein forms W1359*.
Identifiers: ClinVar variation 572855 (VCV000572855.9), dbSNP rs1565995034, ClinGen allele CA386885226.
Genomic context (GRCh38, chr12:115,987,146, plus strand): 5'-TTTAAACAGGACAAAGACCCTACCGTAGGTTCCCCGTCCTGCCATTTTATGGAACTGCTG[C>T]CAAGTGAGTGGTCCCTGCACATGCTGGATGTTCTCCCAGGTCCTGCCCGTGCGCTTCTTT-3'